The following is an entry in ClinVar:

NM_014284.3(NCDN):c.975G>T (p.Thr325=)

Gene: NCDN (neurochondrin; plus strand). Cytogenetic location: 1p34.3.
Variant type: single nucleotide variant.
Coding change: c.975G>T on transcript NM_014284.3 (MANE Select); coding-DNA position 975, G replaced by T.
Protein change: p.Thr325=; no amino-acid change (threonine 325 retained).
Molecular consequence: synonymous variant.
Genome position (GRCh38, 1-based): chr1:35,561,126, G>T. VCF-style: chr1-35561126-G-T. GRCh37 (hg19) VCF-style: chr1-36026727-G-T.
Other names: c.975G>T, p.Thr325= (NM_001014839.2); c.924G>T, p.Thr308= (NM_001014841.2).
Identifiers: ClinVar variation 4873091 (VCV004873091.2).

ClinVar aggregate classification (germline): Likely benign (1 of 4 stars; one submission).

gnomAD v4.1: 30 of 1,612,584 alleles (0.0019%); highest among the groups gnomAD compares: South Asian, 0.019%; no homozygotes.

Submission:

CeGaT Center for Human Genetics Tuebingen
Classification: Likely benign. Last evaluated: 2026-06-01. Review status: criteria provided, single submitter. Criteria: CeGaT Center For Human Genetics Tuebingen Variant Classification Criteria Version 2. Collection method: clinical testing. Allele origin: germline. Affected: yes. Observed: 1 variant allele.
Comment: NCDN: BP4, BP7